The following is an entry in ClinVar:

NM_001077350.3(NPRL3):c.348G>T (p.Arg116Ser)

Genes: HBA-LCR (alpha-globin locus control region; plus strand), NPRL3 (NPR3 like, GATOR1 complex subunit; minus strand). Cytogenetic location: 16p13.3.
Variant type: single nucleotide variant.
Coding change: c.348G>T on transcript NM_001077350.3 (MANE Select); coding-DNA position 348, G replaced by T.
Protein change: p.Arg116Ser; replaces arginine 116 with serine.
Molecular consequence: missense variant. On other transcripts: intron variant (3).
Genome position (GRCh38, 1-based): chr16:117,346, C>A on the plus strand (G>T on the coding strand, the complement: NPRL3 is on the minus strand). VCF-style: chr16-117346-C-A. GRCh37 (hg19) VCF-style: chr16-167345-C-A.
Other names: c.114G>T, p.Arg38Ser (NM_001243247.2); c.318+1780G>T (NM_001243248.2, NM_001243249.2); c.-144-4571G>T (NM_001039476.3); short protein forms R116S, R38S.
Identifiers: ClinVar variation 3641805 (VCV003641805.2).

ClinVar aggregate classification (germline): Uncertain significance (1 of 4 stars; one submission).

Conditions:
Epilepsy, familial focal, with variable foci 3 (FFEVF3). Identifiers: MedGen C4310708, MONDO:0014925, OMIM 617118.

Submission:

Labcorp Genetics (formerly Invitae), Labcorp
Classification: Uncertain significance for Epilepsy, familial focal, with variable foci 3. Last evaluated: 2024-02-17. Review status: criteria provided, single submitter. Criteria: Invitae Variant Classification Sherloc (09022015). Collection method: clinical testing. Allele origin: germline.
Comment: This sequence change replaces arginine, which is basic and polar, with serine, which is neutral and polar, at codon 116 of the NPRL3 protein (p.Arg116Ser). This variant is not present in population databases (gnomAD no frequency). This variant has not been reported in the literature in individuals affected with NPRL3-related conditions. Experimental studies and prediction algorithms are not available or were not evaluated, and the functional significance of this variant is currently unknown. In summary, the available evidence is currently insufficient to determine the role of this variant in disease. Therefore, it has been classified as a Variant of Uncertain Significance.